The following is an entry in ClinVar:

NM_003119.4(SPG7):c.9GCT[6] (p.Leu8dup)

Genes: SPG7 (SPG7 matrix AAA peptidase subunit, paraplegin; plus strand), LOC130059818 (ATAC-STARR-seq lymphoblastoid silent region 7911; plus strand). Cytogenetic location: 16q24.3.
Variant type: Microsatellite.
Coding change: c.9GCT[6] on transcript NM_003119.4 (MANE Select); six copies in a row of the 3-base unit GCT starting at c.9; the reference has five copies in a row; one copy, 3 bases duplicated; also written c.21_23dup.
Protein change: p.Leu8dup; duplicates leucine 8.
Molecular consequence: inframe insertion.
Genome position (GRCh38, 1-based): chr16:89,508,438-89,508,440, GCT duplicated; duplicating any 3 consecutive bases within chr16:89,508,425-89,508,440 gives the same sequence; the position shown is the placement nearest the transcript's 3' end. VCF-style (leftmost placement, unchanged base first): chr16-89508424-G-GTGC. GRCh37 (hg19) VCF-style: chr16-89574832-G-GTGC.
Other names: c.21_23dupGCT (NM_003119.2); c.21_23dup (NM_003119.4); c.9GCT[6], p.Leu8dup (NM_001363850.1, NM_199367.3).
Identifiers: ClinVar variation 580781 (VCV000580781.62), dbSNP rs781285980, ClinGen allele CA8243382.

ClinVar aggregate classification (germline): Uncertain significance. Review status: criteria provided, multiple submitters, no conflicts (2 of 4 stars). 9 submissions from 8 submitters: Uncertain significance (7). 2 of the submissions do not count toward it. Last evaluated 2026-07-01.

Conditions:
Optic atrophy. Identifiers: MedGen C0029124, MONDO:0003608, HP:0000648.
Hereditary spastic paraplegia 7 (SPG7). Also called: Autosomal recessive spastic paraplegia type 7; SPASTIC PARAPLEGIA 7, AUTOSOMAL RECESSIVE, WITH OR WITHOUT CEREBELLAR ATAXIA; Spastic paraplegia 7; Hereditary spastic paraplegia Paraplegin type; SPG7-related neurologic disorder. Identifiers: Orphanet 99013, MedGen C1846564, MONDO:0011803, OMIM 607259.
Retinal dystrophy. Also called: Inherited retinal dystrophy. Identifiers: Orphanet 71862, MedGen C0854723, MeSH D058499, MONDO:0019118, HP:0000556.
Hereditary spastic paraplegia. Also called: Familial spastic paraparesis. Identifiers: Orphanet 685, MedGen C0037773, MONDO:0019064. Disease mechanism: loss of function.

Submissions (9):

CeGaT Center for Human Genetics Tuebingen
Classification: Uncertain significance. Last evaluated: 2026-07-01. Review status: criteria provided, single submitter. Criteria: CeGaT Center For Human Genetics Tuebingen Variant Classification Criteria Version 2. Collection method: clinical testing. Allele origin: germline. Affected: yes. Observed: 6 variant alleles.
Comment: SPG7: PM4:Supporting

GeneDx
Classification: Uncertain significance. Last evaluated: 2025-07-14. Review status: criteria provided, single submitter. Criteria: GeneDx Variant Classification Process June 2021. Collection method: clinical testing. Allele origin: germline. Affected: yes.
Comment: Identified in a single individual with spastic paraplegia in whom a second variant in the SPG7 gene was not identified (PMID: 21623769); In-frame duplication of 1 amino acid in a repetitive region with no known function; This variant is associated with the following publications: (PMID: 21623769)

Labcorp Genetics (formerly Invitae), Labcorp
Classification: Uncertain significance for Hereditary spastic paraplegia 7. Last evaluated: 2025-06-16. Review status: criteria provided, single submitter. Criteria: Invitae Variant Classification Sherloc (09022015). Collection method: clinical testing. Allele origin: germline.
Comment: This variant, c.21_23dup, results in the insertion of 1 amino acid(s) of the SPG7 protein (p.Leu8dup), but otherwise preserves the integrity of the reading frame. This variant is present in population databases (rs781285980, gnomAD 0.2%). This variant has been observed in individual(s) with spastic paraplegia (PMID: 21623769). ClinVar contains an entry for this variant (Variation ID: 580781). Experimental studies and prediction algorithms are not available or were not evaluated, and the functional significance of this variant is currently unknown. In summary, the available evidence is currently insufficient to determine the role of this variant in disease. Therefore, it has been classified as a Variant of Uncertain Significance.

Athena Diagnostics
Classification: Uncertain significance. Last evaluated: 2024-12-10. Review status: criteria provided, single submitter. Criteria: Athena Diagnostics Criteria. Collection method: clinical testing. Allele origin: unknown.
Comment: Available data are insufficient to determine the clinical significance of the variant at this time. The frequency of this variant in the general population is uninformative in assessment of its pathogenicity. The variant is located in a region that is considered important for protein function and/or structure.

Blueprint Genetics
Classification: Uncertain significance. Last evaluated: 2024-10-07. Review status: criteria provided, single submitter. Criteria: ACMG Guidelines, 2015. Collection method: clinical testing. Allele origin: germline.

Genome Diagnostics Laboratory, The Hospital for Sick Children
Classification: Uncertain significance for Hereditary spastic paraplegia. Last evaluated: 2020-09-29. Review status: criteria provided, single submitter. Criteria: ACMG Guidelines, 2015. Collection method: clinical testing. Allele origin: germline. Affected: yes.

Breakthrough Genomics
Classification: Uncertain significance. Review status: criteria provided, single submitter. Criteria: ACMG Guidelines, 2015. Collection method: not provided. Allele origin: germline. Inheritance: Autosomal recessive inheritance. Affected: yes.

Institute of Human Genetics, Univ. Regensburg, Univ. Regensburg
Classification: Uncertain significance for Optic atrophy. Last evaluated: 2022-01-01. Review status: no assertion criteria provided. Criteria: ACMG Guidelines, 2015. Collection method: clinical testing. Allele origin: germline. Affected: yes. Not counted in ClinVar's aggregate classification.

Institute of Human Genetics, Univ. Regensburg, Univ. Regensburg
Classification: Uncertain significance for Retinal dystrophy. Last evaluated: 2022-01-01. Review status: no assertion criteria provided. Criteria: ACMG Guidelines, 2015. Collection method: clinical testing. Allele origin: germline. Affected: yes. Not counted in ClinVar's aggregate classification.

Literature cited by the submitters: PubMed 21623769 (cited by Labcorp Genetics (formerly Invitae), Labcorp and Athena Diagnostics).